The following is an entry in ClinVar:

ClinVar aggregate classification (germline): Uncertain significance (1 of 4 stars; one submission).

Allele frequency attached by ClinVar (database versions not stated): ExAC 0.00001.
gnomAD v4.1: 5 of 1,601,058 alleles (0.00031%); highest among the groups gnomAD compares: South Asian, 0.0022%; no homozygotes.

Submission:

Labcorp Genetics (formerly Invitae), Labcorp
Classification: Uncertain significance. Last evaluated: 2022-02-20. Review status: criteria provided, single submitter. Criteria: Invitae Variant Classification Sherloc (09022015). Collection method: clinical testing. Allele origin: germline.
Comment: This sequence change replaces aspartic acid, which is acidic and polar, with asparagine, which is neutral and polar, at codon 26 of the SIX6 protein (p.Asp26Asn). This variant is not present in population databases (gnomAD no frequency). This variant has not been reported in the literature in individuals affected with SIX6-related conditions. Algorithms developed to predict the effect of missense changes on protein structure and function are either unavailable or do not agree on the potential impact of this missense change (SIFT: "Deleterious"; PolyPhen-2: "Benign"; Align-GVGD: "Class C15"). In summary, the available evidence is currently insufficient to determine the role of this variant in disease. Therefore, it has been classified as a Variant of Uncertain Significance.

NM_007374.3(SIX6):c.76G>A (p.Asp26Asn)

Genes: C14orf39 (chromosome 14 open reading frame 39; minus strand), SIX6 (SIX homeobox 6; plus strand). Cytogenetic location: 14q23.1.
Variant type: single nucleotide variant.
Coding change: c.76G>A on transcript NM_007374.3 (MANE Select); coding-DNA position 76, G replaced by A.
Protein change: p.Asp26Asn; replaces aspartic acid 26 with asparagine.
Molecular consequence: missense variant.
Genome position (GRCh38, 1-based): chr14:60,509,474, G>A. VCF-style: chr14-60509474-G-A. GRCh37 (hg19) VCF-style: chr14-60976192-G-A.
Other names: short protein forms D26N.
Identifiers: ClinVar variation 1978360 (VCV001978360.3), dbSNP rs753530432, ClinGen allele CA7212552.